The following is an entry in ClinVar:

NM_001736.4(C5AR1):c.100C>T (p.Arg34Cys)

Gene: C5AR1 (complement C5a receptor 1; plus strand). Cytogenetic location: 19q13.32.
Variant type: single nucleotide variant.
Coding change: c.100C>T on transcript NM_001736.4 (MANE Select); coding-DNA position 100, C replaced by T.
Protein change: p.Arg34Cys; replaces arginine 34 with cysteine.
Molecular consequence: missense variant.
Genome position (GRCh38, 1-based): chr19:47,319,877, C>T. VCF-style: chr19-47319877-C-T. GRCh37 (hg19) VCF-style: chr19-47823134-C-T.
Other names: short protein forms R34C.
Identifiers: ClinVar variation 2631913 (VCV002631913.1), dbSNP rs774370669, ClinGen allele CA9537111.

ClinVar aggregate classification (germline): Uncertain significance (1 of 4 stars; one submission).

Conditions:
C5AR1-related disorder. Also called: C5AR1-related condition.

Allele frequency attached by ClinVar (database versions not stated): gnomAD 0.00003; ExAC 0.00004; TOPMed 0.00005.
gnomAD v4.1: 21 of 1,614,052 alleles (0.0013%); highest among the groups gnomAD compares: Admixed American, 0.02%; no homozygotes.

Submission:

PreventionGenetics, part of Exact Sciences
Classification: Uncertain significance for C5AR1-related condition. Last evaluated: 2023-05-08. Review status: criteria provided, single submitter. Criteria: ACMG Guidelines, 2015. Collection method: clinical testing. Allele origin: germline.
Comment: The C5AR1 c.100C>T variant is predicted to result in the amino acid substitution p.Arg34Cys. To our knowledge, this variant has not been reported in the literature. This variant is reported in 0.020% of alleles in individuals of Latino descent in gnomAD. At this time, the clinical significance of this variant is uncertain due to the absence of conclusive functional and genetic evidence.